The following is an entry in ClinVar:

NM_003482.4(KMT2D):c.1516C>T (p.Pro506Ser)

Gene: KMT2D (lysine methyltransferase 2D; minus strand). Cytogenetic location: 12q13.12.
Variant type: single nucleotide variant.
Coding change: c.1516C>T on transcript NM_003482.4 (MANE Select); coding-DNA position 1516, C replaced by T.
Protein change: p.Pro506Ser; replaces proline 506 with serine.
Molecular consequence: missense variant.
Genome position (GRCh38, 1-based): chr12:49,052,167, G>A on the plus strand (C>T on the coding strand, the complement: KMT2D is on the minus strand). VCF-style: chr12-49052167-G-A. GRCh37 (hg19) VCF-style: chr12-49445950-G-A.
Other names: short protein forms P506S.
Identifiers: ClinVar variation 3626229 (VCV003626229.3).

ClinVar aggregate classification (germline): Conflicting classifications of pathogenicity. Review status: criteria provided, conflicting classifications (1 of 4 stars). 2 submissions from 2 submitters: Uncertain significance (1); Benign (1). Last evaluated 2026-05-22.

Conditions:
KMT2D-related disorder. Also called: KMT2D-Related Disorders.
Kabuki syndrome. Also called: Kabuki make-up syndrome; NIIKAWA-KUROKI SYNDROME. Identifiers: Orphanet 2322, MedGen C0796004, MONDO:0016512.

gnomAD v4.1: 4 of 1,613,614 alleles (0.00025%); highest among the groups gnomAD compares: Admixed American, 0.005%; no homozygotes.

Submissions (2):

PreventionGenetics, part of Exact Sciences
Classification: Uncertain significance for KMT2D-related condition. Last evaluated: 2026-05-22. Review status: criteria provided, single submitter. Criteria: ACMG Guidelines, 2015. Collection method: clinical testing. Allele origin: germline.
Comment: The KMT2D c.1516C>T variant is predicted to result in the amino acid substitution p.Pro506Ser. To our knowledge, this variant has not been reported in the literature. This variant is reported in 0.0087% of alleles in individuals of Latino descent in gnomAD. At this time, the clinical significance of this variant is uncertain due to the absence of conclusive functional and genetic evidence.

Labcorp Genetics (formerly Invitae), Labcorp
Classification: Benign for Kabuki syndrome. Last evaluated: 2024-06-11. Review status: criteria provided, single submitter. Criteria: Invitae Variant Classification Sherloc (09022015). Collection method: clinical testing. Allele origin: germline.